The following is an entry in ClinVar:

ClinVar aggregate classification (germline): Uncertain significance (1 of 4 stars; one submission).

Allele frequency attached by ClinVar (database versions not stated): gnomAD exomes 0.00001.
gnomAD v4.1: 4 of 1,209,358 alleles (0.00033%); highest among the groups gnomAD compares: East Asian, 0.0059%; no homozygotes.

Submission:

GeneDx
Classification: Uncertain significance. Last evaluated: 2019-06-07. Review status: criteria provided, single submitter. Criteria: GeneDx Variant Classification Process June 2021. Collection method: clinical testing. Allele origin: germline. Affected: yes.
Comment: In silico analysis, which includes protein predictors and evolutionary conservation, supports a deleterious effect; Has not been previously published as pathogenic or benign to our knowledge

NM_004187.5(KDM5C):c.3325G>A (p.Gly1109Ser)

Gene: KDM5C (lysine demethylase 5C; minus strand). Cytogenetic location: Xp11.22.
Variant type: single nucleotide variant.
Coding change: c.3325G>A on transcript NM_004187.5 (MANE Select); coding-DNA position 3325, G replaced by A.
Protein change: p.Gly1109Ser; replaces glycine 1109 with serine.
Molecular consequence: missense variant. On other transcripts: non-coding transcript variant (3).
Genome position (GRCh38, 1-based): chrX:53,195,044, C>T on the plus strand (G>A on the coding strand, the complement: KDM5C is on the minus strand). VCF-style: chrX-53195044-C-T. GRCh37 (hg19) VCF-style: chrX-53224226-C-T.
Other names: c.3124G>A, p.Gly1042Ser (NM_001146702.2); c.3322G>A, p.Gly1108Ser (NM_001282622.3, NM_001353979.2, NM_001353982.2); c.3325G>A, p.Gly1109Ser (NM_001353978.3, NM_001353981.2, NM_001353984.2); short protein forms G1042S, G1108S, G1109S.
Identifiers: ClinVar variation 1306316 (VCV001306316.2), dbSNP rs1556835545, ClinGen allele CA413109935.